The following is an entry in ClinVar:

NM_015909.4(NBAS):c.3766T>C (p.Tyr1256His)

Gene: NBAS (NBAS subunit of NRZ tethering complex; minus strand). Cytogenetic location: 2p24.3.
Variant type: single nucleotide variant.
Coding change: c.3766T>C on transcript NM_015909.4 (MANE Select); coding-DNA position 3766, T replaced by C.
Protein change: p.Tyr1256His; replaces tyrosine 1256 with histidine.
Molecular consequence: missense variant. On other transcripts: non-coding transcript variant (1).
Genome position (GRCh38, 1-based): chr2:15,366,631, A>G on the plus strand (T>C on the coding strand, the complement: NBAS is on the minus strand). VCF-style: chr2-15366631-A-G. GRCh37 (hg19) VCF-style: chr2-15506755-A-G.
Other names: short protein forms Y1256H.
Identifiers: ClinVar variation 1382428 (VCV001382428.6), dbSNP rs2148339771, ClinGen allele CA345894376.

ClinVar aggregate classification (germline): Uncertain significance (1 of 4 stars; one submission).

gnomAD v4.1: 1 of 1,614,130 alleles (0.000062%); highest among the groups gnomAD compares: Non-Finnish European, 0.000085%; no homozygotes.

Submission:

Labcorp Genetics (formerly Invitae), Labcorp
Classification: Uncertain significance. Last evaluated: 2022-08-16. Review status: criteria provided, single submitter. Criteria: Invitae Variant Classification Sherloc (09022015). Collection method: clinical testing. Allele origin: germline.
Comment: This variant has not been reported in the literature in individuals affected with NBAS-related conditions. This variant is not present in population databases (gnomAD no frequency). This sequence change replaces tyrosine, which is neutral and polar, with histidine, which is basic and polar, at codon 1256 of the NBAS protein (p.Tyr1256His). ClinVar contains an entry for this variant (Variation ID: 1382428). In summary, the available evidence is currently insufficient to determine the role of this variant in disease. Therefore, it has been classified as a Variant of Uncertain Significance. Algorithms developed to predict the effect of missense changes on protein structure and function are either unavailable or do not agree on the potential impact of this missense change (SIFT: "Tolerated"; PolyPhen-2: "Possibly Damaging"; Align-GVGD: "Class C0").